The following is an entry in ClinVar:

ClinVar aggregate classification (germline): Pathogenic. Review status: criteria provided, multiple submitters, no conflicts (2 of 4 stars). 2 submissions from 2 submitters: Pathogenic (2). Last evaluated 2021-11-14.

Conditions:
Maple syrup urine disease (MSUD). Identifiers: Orphanet 511, MedGen C0024776, MeSH D008375, MONDO:0009563. Disease mechanism: loss of function.

Submissions (2):

Labcorp Genetics (formerly Invitae), Labcorp
Classification: Pathogenic for Maple syrup urine disease. Last evaluated: 2021-11-14. Review status: criteria provided, single submitter. Criteria: Invitae Variant Classification Sherloc (09022015). Collection method: clinical testing. Allele origin: germline.
Comment: For these reasons, this variant has been classified as Pathogenic. This variant has not been reported in the literature in individuals affected with BCKDHB-related conditions. This variant is not present in population databases (gnomAD no frequency). This sequence change creates a premature translational stop signal (p.Ala91Glufs*2) in the BCKDHB gene. It is expected to result in an absent or disrupted protein product. Loss-of-function variants in BCKDHB are known to be pathogenic (PMID: 16786533, 22593002).

Victorian Clinical Genetics Services, Murdoch Childrens Research Institute
Classification: Pathogenic for Maple syrup urine disease. Last evaluated: 2020-05-21. Review status: criteria provided, single submitter. Criteria: ACMG Guidelines, 2015. Collection method: clinical testing. Allele origin: germline. Inheritance: Autosomal recessive inheritance.
Comment: Based on the classification scheme VCGS_Germline_v1.1.1, this variant is classified as Pathogenic. Following criteria are met: 0102 - Loss-of-function is a known mechanism of disease for this gene. (N) 0106 - This gene is known to be associated with autosomal recessive disease. (N) 0201 - Variant is predicted to cause nonsense-mediated decay (NMD) and loss of protein (exon 2 of 10). (P) 0252 - Variant is homozygous. (N) 0301 - Variant is absent from gnomAD. (P) 0701 - Comparable variants have very strong previous evidence for pathogenicity. Other variants predicted to cause NMD have been reported in ClinVar as pathogenic. (P) 0807 - Variant has not previously been reported in a clinical context. (N) 0905 - No segregation evidence has been identified for this variant. (N) 1007 - No published functional evidence has been identified for this variant. (N) Legend: (P) - Pathogenic, (N) - Neutral, (B) - Benign

Literature cited by the submitters: PubMed 16786533 (cited by Labcorp Genetics (formerly Invitae), Labcorp); PubMed 22593002 (cited by Labcorp Genetics (formerly Invitae), Labcorp).

NM_183050.4(BCKDHB):c.272del (p.Ala91fs)

Gene: BCKDHB (branched chain keto acid dehydrogenase E1 subunit beta; plus strand). Cytogenetic location: 6q14.1.
Variant type: Deletion.
Coding change: c.272del on transcript NM_183050.4 (MANE Select); coding-DNA position 272, one base deleted (C; older notation c.272delC).
Protein change: p.Ala91fs; shifts the reading frame from alanine 91.
Molecular consequence: frameshift variant. On other transcripts: non-coding transcript variant (1).
Genome position (GRCh38, 1-based): chr6:80,127,622, C deleted. VCF-style (leftmost placement, unchanged base first): chr6-80127621-GC-G. GRCh37 (hg19) VCF-style: chr6-80837338-GC-G.
Other names: c.272del, p.Ala91fs (NM_000056.5); c.62del, p.Ala21fs (NM_001318975.1); short protein forms A21fs, A91fs.
Identifiers: ClinVar variation 1430401 (VCV001430401.7), dbSNP rs2127726212, ClinGen allele CA923726181.
Genomic context (GRCh38, chr6:80,127,621, plus strand): 5'-ATGAATCTTTTCCAGTCTGTAACAAGTGCCTTGGATAACTCATTGGCCAAAGATCCTACT[GC>G]AGGTAACCCTGATATGTGCCTGAATTGTGGTAGCTGTGTTAATTCCAGAATTGAAGATTT-3'